The following is an entry in ClinVar:

ClinVar aggregate classification (germline): Uncertain significance. Review status: criteria provided, multiple submitters, no conflicts (2 of 4 stars). 2 submissions from 2 submitters: Uncertain significance (2). Last evaluated 2026-03-25.

Conditions:
Dilated cardiomyopathy 1G (CMD1G). Identifiers: Orphanet 154, MedGen C1858763, MONDO:0011400, OMIM 604145.
Autosomal recessive limb-girdle muscular dystrophy type 2J (LGMDR10). Also called: MUSCULAR DYSTROPHY, LIMB-GIRDLE, AUTOSOMAL RECESSIVE 10; Limb-girdle muscular dystrophy, type 2J. Identifiers: Orphanet 140922, MedGen C1837342, MONDO:0012127, OMIM 608807.
Cardiovascular phenotype. Identifiers: MedGen CN230736.

Submissions (2):

Ambry Genetics
Classification: Uncertain significance for Cardiovascular phenotype. Last evaluated: 2026-03-25. Review status: criteria provided, single submitter. Criteria: Ambry Variant Classification Scheme 2023. Collection method: clinical testing. Allele origin: germline.
Comment: The c.57602_57604delGAA variant (also known as p.R19201del) is located in coding exon 153 of the TTN gene. This variant results from an in-frame GAA deletion at nucleotide positions 57602 to 57604. This results in the in-frame deletion of an arginine at codon 19201. This amino acid position is highly conserved in available vertebrate species. Based on the available evidence, the clinical significance of this variant remains unclear.

Labcorp Genetics (formerly Invitae), Labcorp
Classification: Uncertain significance for Dilated cardiomyopathy 1G; Autosomal recessive limb-girdle muscular dystrophy type 2J. Last evaluated: 2017-09-11. Review status: criteria provided, single submitter. Criteria: Invitae Variant Classification Sherloc (09022015). Collection method: clinical testing. Allele origin: germline.

NM_001267550.2(TTN):c.84797_84799del (p.Arg28266del)

Genes: TTN (titin; minus strand), TTN-AS1 (TTN antisense RNA 1; plus strand). Cytogenetic location: 2q31.2.
Variant type: Deletion.
Coding change: c.84797_84799del on transcript NM_001267550.2 (MANE Select); coding-DNA positions 84797 to 84799, 3 bases deleted (GAA; older notation c.84797_84799delGAA).
Protein change: p.Arg28266del; deletes arginine 28266.
Molecular consequence: inframe deletion.
Genome position (GRCh38, 1-based): chr2:178,561,333-178,561,335, TTC deleted on the plus strand (GAA on the coding strand, the reverse complement: TTN is on the minus strand); deleting any 3 consecutive bases within chr2:178,561,333-178,561,337 gives the same sequence; the c. name uses the placement nearest the transcript's 3' end. VCF-style (leftmost placement, unchanged base first): chr2-178561332-TTTC-T. GRCh37 (hg19) VCF-style: chr2-179426059-TTTC-T.
Other names: c.57602_57604delGAA (NM_003319.4); c.84797_84799delGAA (NM_001267550.2); c.79874_79876del, p.Arg26625del (NM_001256850.1); c.57602_57604del, p.Arg19201del (NM_003319.4); c.77093_77095del, p.Arg25698del (NM_133378.4); c.57977_57979del, p.Arg19326del (NM_133432.3); c.58178_58180del, p.Arg19393del (NM_133437.4); short protein forms R28266del, R19393del, R25698del, R19201del, R19326del, R26625del.
Identifiers: ClinVar variation 535585 (VCV000535585.4), dbSNP rs1553564204, ClinGen allele CA658795998.